The following is an entry in ClinVar:

ClinVar aggregate classification (germline): Conflicting classifications of pathogenicity. Review status: criteria provided, conflicting classifications (1 of 4 stars). 8 submissions from 8 submitters: Uncertain significance (1); Likely benign (7). Last evaluated 2026-05-01.

Conditions:
Cardiovascular phenotype. Identifiers: MedGen CN230736.
Ehlers-Danlos syndrome (EDS). Identifiers: Orphanet 98249, MedGen C0013720, MONDO:0020066.

Allele frequency attached by ClinVar (database versions not stated): ExAC 0.00066; 1000 Genomes Project 0.00080; gnomAD exomes 0.00087 and 0.00156; gnomAD 0.00102 and 0.00106; TOPMed 0.00114; 1000 Genomes Project 30x 0.00141.
gnomAD v4.1: 2,353 of 1,548,836 alleles (0.15%); highest among the groups gnomAD compares: Non-Finnish European, 0.18%; 1 homozygote.

Submissions (8):

CeGaT Center for Human Genetics Tuebingen
Classification: Likely benign. Last evaluated: 2026-05-01. Review status: criteria provided, single submitter. Criteria: CeGaT Center For Human Genetics Tuebingen Variant Classification Criteria Version 2. Collection method: clinical testing. Allele origin: germline. Affected: yes. Observed: 9 variant alleles.
Comment: ZNF469: BP4, BP7

Labcorp Genetics (formerly Invitae), Labcorp
Classification: Likely benign. Last evaluated: 2026-02-02. Review status: criteria provided, single submitter. Criteria: Invitae Variant Classification Sherloc (09022015). Collection method: clinical testing. Allele origin: germline.

Mayo Clinic Laboratories, Mayo Clinic
Classification: Likely benign. Last evaluated: 2025-04-09. Review status: criteria provided, single submitter. Criteria: ACMG Guidelines, 2015. Collection method: clinical testing. Allele origin: germline. Observed: 16 variant alleles.
Comment: BS1, BP4, BP7

Women's Health and Genetics/Laboratory Corporation of America, LabCorp
Classification: Likely benign. Last evaluated: 2024-12-02. Review status: criteria provided, single submitter. Criteria: LabCorp Variant Classification Summary - May 2015. Collection method: clinical testing. Allele origin: germline.

Blueprint Genetics
Classification: Likely benign. Last evaluated: 2024-11-25. Review status: criteria provided, single submitter. Criteria: ACMG Guidelines, 2015. Collection method: clinical testing. Allele origin: germline.

Genome Diagnostics Laboratory, The Hospital for Sick Children
Classification: Uncertain significance for Ehlers-Danlos syndrome. Last evaluated: 2022-05-09. Review status: criteria provided, single submitter. Criteria: ACMG Guidelines, 2015. Collection method: clinical testing. Allele origin: germline.

Ambry Genetics
Classification: Likely benign for Cardiovascular phenotype. Last evaluated: 2019-05-04. Review status: criteria provided, single submitter. Criteria: Ambry Variant Classification Scheme 2023. Collection method: clinical testing. Allele origin: germline.

GeneDx
Classification: Likely benign. Last evaluated: 2017-11-20. Review status: criteria provided, single submitter. Criteria: GeneDx Variant Classification (06012015). Collection method: clinical testing. Allele origin: germline. Affected: yes.
Comment: This variant is considered likely benign or benign based on one or more of the following criteria: it is a conservative change, it occurs at a poorly conserved position in the protein, it is predicted to be benign by multiple in silico algorithms, and/or has population frequency not consistent with disease.

NM_001367624.2(ZNF469):c.10710G>A (p.Ala3570=)

Gene: ZNF469 (zinc finger protein 469; plus strand). Cytogenetic location: 16q24.2.
Variant type: single nucleotide variant.
Coding change: c.10710G>A on transcript NM_001367624.2 (MANE Select); coding-DNA position 10710, G replaced by A.
Protein change: p.Ala3570=; no amino-acid change (alanine 3570 retained).
Molecular consequence: synonymous variant.
Genome position (GRCh38, 1-based): chr16:88,438,180, G>A. VCF-style: chr16-88438180-G-A. GRCh37 (hg19) VCF-style: chr16-88504588-G-A.
Other names: NM_001127464.1:c.10626G>A; NM_001127464.2:c.10626G>A; p.Ala3570=.
Identifiers: ClinVar variation 508772 (VCV000508772.45), dbSNP rs548910839, ClinGen allele CA8225545.
Genomic context (GRCh38, chr16:88,438,180, plus strand): 5'-TCCCCCGCCGTCTCTGTCTCCCTTCCCAGCTGCCTTGGCTGATGGCAGAGGAGACTGCGC[G>A]CTGGACGGAGCCCTGGAGAGGCCAGAGAACGAGGCTTCCCCAGGCAGCCCCGGGCCTCTT-3'
Protein context (NP_001354553.1, residues 3560-3580): AALADGRGDC[Ala3570=]LDGALERPEN